The following is an entry in ClinVar:

ClinVar aggregate classification (germline): Uncertain significance (1 of 4 stars; one submission).

Conditions:
Hereditary cancer-predisposing syndrome. Also called: Neoplastic Syndromes, Hereditary; Hereditary Cancer Syndrome; Hereditary neoplastic syndrome; Tumor predisposition. Identifiers: Orphanet 140162, MedGen C0027672, MeSH D009386, MONDO:0015356.

Submission:

Ambry Genetics
Classification: Uncertain significance for Hereditary cancer-predisposing syndrome. Last evaluated: 2026-04-23. Review status: criteria provided, single submitter. Criteria: Ambry Variant Classification Scheme 2023. Collection method: clinical testing. Allele origin: germline.
Comment: The p.N301K variant (also known as c.903C>G), located in coding exon 6 of the FLCN gene, results from a C to G substitution at nucleotide position 903. The asparagine at codon 301 is replaced by lysine, an amino acid with similar properties. This amino acid position is conserved. In addition, this alteration is predicted to be tolerated by in silico analysis. Based on the available evidence, the clinical significance of this variant remains unclear.

NM_144997.7(FLCN):c.903C>G (p.Asn301Lys)

Gene: FLCN (folliculin; minus strand). Cytogenetic location: 17p11.2.
Variant type: single nucleotide variant.
Coding change: c.903C>G on transcript NM_144997.7 (MANE Select); coding-DNA position 903, C replaced by G.
Protein change: p.Asn301Lys; replaces asparagine 301 with lysine.
Molecular consequence: missense variant.
Genome position (GRCh38, 1-based): chr17:17,219,178, G>C on the plus strand (C>G on the coding strand, the complement: FLCN is on the minus strand). VCF-style: chr17-17219178-G-C. GRCh37 (hg19) VCF-style: chr17-17122492-G-C.
Other names: c.957C>G, p.Asn319Lys (NM_001353229.2); c.903C>G, p.Asn301Lys (NM_001353230.2, NM_001353231.2); short protein forms N301K, N319K.
Identifiers: ClinVar variation 4871386 (VCV004871386.1).
Genomic context (GRCh38, chr17:17,219,178, plus strand): 5'-CTCCCGCCCTTCTGTACTCTCTGGCAACACAGGGGCTTTCTCCTCCTCTTCAGCCTCAGA[G>C]TTGTCCCAGCTTTCTGATTCCTCTTCTAAATCTGCAAGACAGATGACAAGGACAGTTACA-3'
Protein context (NP_659434.2, residues 291-311): DLEEESESWD[Asn301Lys]SEAEEEEKAP